The following is an entry in ClinVar:

ClinVar aggregate classification (germline): Pathogenic (1 of 4 stars; one submission).

Allele frequency attached by ClinVar (database versions not stated): gnomAD exomes below 0.00001.

Submission:

Labcorp Genetics (formerly Invitae), Labcorp
Classification: Pathogenic. Last evaluated: 2022-09-12. Review status: criteria provided, single submitter. Criteria: Invitae Variant Classification Sherloc (09022015). Collection method: clinical testing. Allele origin: germline.
Comment: For these reasons, this variant has been classified as Pathogenic. Algorithms developed to predict the effect of sequence changes on RNA splicing suggest that this variant may create or strengthen a splice site. ClinVar contains an entry for this variant (Variation ID: 1074521). This variant has not been reported in the literature in individuals affected with CTSK-related conditions. This variant is not present in population databases (gnomAD no frequency). This sequence change creates a premature translational stop signal (p.Tyr203*) in the CTSK gene. It is expected to result in an absent or disrupted protein product. Loss-of-function variants in CTSK are known to be pathogenic (PMID: 12125807, 21569238).

Literature cited by the submitters: PubMed 12125807; PubMed 21569238.

NM_000396.4(CTSK):c.609del (p.Pro202_Tyr203insTer)

Gene: CTSK (cathepsin K; minus strand). Cytogenetic location: 1q21.3.
Variant type: Deletion.
Coding change: c.609del on transcript NM_000396.4 (MANE Select); coding-DNA position 609, one base deleted (T; older notation c.609delT).
Protein change: p.Pro202_Tyr203insTer.
Molecular consequence: nonsense.
Genome position (GRCh38, 1-based): chr1:150,804,030, A deleted on the plus strand (T on the coding strand, the reverse complement: CTSK is on the minus strand). VCF-style (leftmost placement, unchanged base first): chr1-150804029-CA-C. GRCh37 (hg19) VCF-style: chr1-150776505-CA-C.
Identifiers: ClinVar variation 1074521 (VCV001074521.7), dbSNP rs2101951417, ClinGen allele CA2499214165.